The following is an entry in ClinVar:

ClinVar aggregate classification (germline): Uncertain significance (1 of 4 stars; one submission).

Allele frequency attached by ClinVar (database versions not stated): gnomAD 0.00001; gnomAD exomes 0.00002; TOPMed 0.00002.

Submission:

Labcorp Genetics (formerly Invitae), Labcorp
Classification: Uncertain significance. Last evaluated: 2024-09-04. Review status: criteria provided, single submitter. Criteria: Invitae Variant Classification Sherloc (09022015). Collection method: clinical testing. Allele origin: germline.
Comment: This sequence change replaces alanine, which is neutral and non-polar, with serine, which is neutral and polar, at codon 12 of the FAM161A protein (p.Ala12Ser). This variant is present in population databases (no rsID available, gnomAD 0.02%). This variant has not been reported in the literature in individuals affected with FAM161A-related conditions. ClinVar contains an entry for this variant (Variation ID: 2160421). An algorithm developed to predict the effect of missense changes on protein structure and function (PolyPhen-2) suggests that this variant is likely to be tolerated. In summary, the available evidence is currently insufficient to determine the role of this variant in disease. Therefore, it has been classified as a Variant of Uncertain Significance.

NM_001201543.2(FAM161A):c.34G>T (p.Ala12Ser)

Gene: FAM161A (FAM161 centrosomal protein A; minus strand). Cytogenetic location: 2p15.
Variant type: single nucleotide variant.
Coding change: c.34G>T on transcript NM_001201543.2 (MANE Select); coding-DNA position 34, G replaced by T.
Protein change: p.Ala12Ser; replaces alanine 12 with serine.
Molecular consequence: missense variant. On other transcripts: non-coding transcript variant (1).
Genome position (GRCh38, 1-based): chr2:61,854,008, C>A on the plus strand (G>T on the coding strand, the complement: FAM161A is on the minus strand). VCF-style: chr2-61854008-C-A. GRCh37 (hg19) VCF-style: chr2-62081143-C-A.
Other names: c.34G>T, p.Ala12Ser (NM_032180.3); short protein forms A12S.
Identifiers: ClinVar variation 2160421 (VCV002160421.3), dbSNP rs1359486126, ClinGen allele CA346990082.
Genomic context (GRCh38, chr2:61,854,008, plus strand): 5'-GTTCGTACTGGGCGACCCGCGCTCCAGTGATGGGATTTACCGGGGTCTGGAGACTGGAGG[C>A]CACCAGCTTCGCCACTCGGTGGGAGGTGGCCATCGCCCCGCCTCCGAGGCCTGAGCGCCT-3'
Protein context (NP_001188472.1, residues 2-22): ATSHRVAKLV[Ala12Ser]SSLQTPVNPI